The following is an entry in ClinVar:

ClinVar aggregate classification (germline): Uncertain significance (1 of 4 stars; one submission).

Conditions:
Beckwith-Wiedemann syndrome (BWS). Also called: EMG SYNDROME; Exomphalos macroglossia gigantism syndrome. Identifiers: Orphanet 116, MedGen C0004903, MONDO:0007534, OMIM 130650.

Submission:

Labcorp Genetics (formerly Invitae), Labcorp
Classification: Uncertain significance for Beckwith-Wiedemann syndrome. Last evaluated: 2018-06-23. Review status: criteria provided, single submitter. Criteria: Invitae Variant Classification Sherloc (09022015). Collection method: clinical testing. Allele origin: germline.
Comment: In summary, the available evidence is currently insufficient to determine the role of this variant in disease. Therefore, it has been classified as a Variant of Uncertain Significance. Algorithms developed to predict the effect of missense changes on protein structure and function are either unavailable or do not agree on the potential impact of this missense change (SIFT: "Tolerated"; PolyPhen-2: "Probably Damaging"; Align-GVGD: "Class C0"). This variant has not been reported in the literature in individuals with CDKN1C-related disease. This variant is not present in population databases (ExAC no frequency). This sequence change replaces arginine with histidine at codon 44 of the CDKN1C protein (p.Arg44His). The arginine residue is highly conserved and there is a small physicochemical difference between arginine and histidine.

NM_001122630.2(CDKN1C):c.98G>A (p.Arg33His)

Gene: CDKN1C (cyclin dependent kinase inhibitor 1C; minus strand). Cytogenetic location: 11p15.4.
Variant type: single nucleotide variant.
Coding change: c.98G>A on transcript NM_001122630.2 (MANE Select); coding-DNA position 98, G replaced by A.
Protein change: p.Arg33His; replaces arginine 33 with histidine.
Molecular consequence: missense variant.
Genome position (GRCh38, 1-based): chr11:2,885,359, C>T on the plus strand (G>A on the coding strand, the complement: CDKN1C is on the minus strand). VCF-style: chr11-2885359-C-T. GRCh37 (hg19) VCF-style: chr11-2906589-C-T.
Other names: c.131G>A, p.Arg44His (LRG_533t1, NM_000076.2, NM_001362474.2); c.98G>A, p.Arg33His (NM_001122631.2, NM_001362475.2); short protein forms R44H, R33H.
Identifiers: ClinVar variation 570833 (VCV000570833.8), dbSNP rs1477382841, ClinGen allele CA379147662.